The following is an entry in ClinVar:

ClinVar aggregate classification (germline): Uncertain significance (1 of 4 stars; one submission).

Conditions:
Retinitis pigmentosa 59 (RP59). Identifiers: Orphanet 791, MedGen C3151227, MONDO:0013468, OMIM 613861.

Allele frequency attached by ClinVar (database versions not stated): TOPMed 0.00001.

Submission:

Labcorp Genetics (formerly Invitae), Labcorp
Classification: Uncertain significance for Retinitis pigmentosa 59. Last evaluated: 2023-05-30. Review status: criteria provided, single submitter. Criteria: Invitae Variant Classification Sherloc (09022015). Collection method: clinical testing. Allele origin: germline.
Comment: This sequence change replaces leucine, which is neutral and non-polar, with valine, which is neutral and non-polar, at codon 187 of the DHDDS protein (p.Leu187Val). This variant is not present in population databases (gnomAD no frequency). This variant has not been reported in the literature in individuals affected with DHDDS-related conditions. Advanced modeling of protein sequence and biophysical properties (such as structural, functional, and spatial information, amino acid conservation, physicochemical variation, residue mobility, and thermodynamic stability) performed at Invitae indicates that this missense variant is not expected to disrupt DHDDS protein function. In summary, the available evidence is currently insufficient to determine the role of this variant in disease. Therefore, it has been classified as a Variant of Uncertain Significance.

NM_205861.3(DHDDS):c.559C>G (p.Leu187Val)

Gene: DHDDS (dehydrodolichyl diphosphate synthase subunit; plus strand). Cytogenetic location: 1p36.11.
Variant type: single nucleotide variant.
Coding change: c.559C>G on transcript NM_205861.3 (MANE Select); coding-DNA position 559, C replaced by G.
Protein change: p.Leu187Val; replaces leucine 187 with valine.
Molecular consequence: missense variant.
Genome position (GRCh38, 1-based): chr1:26,457,807, C>G. VCF-style: chr1-26457807-C-G. GRCh37 (hg19) VCF-style: chr1-26784298-C-G.
Other names: c.457C>G, p.Leu153Val (NM_001243564.2); c.442C>G, p.Leu148Val (NM_001243565.2); c.280C>G, p.Leu94Val (NM_001319959.2); c.559C>G, p.Leu187Val (NM_024887.4); short protein forms L94V, L153V, L148V, L187V.
Identifiers: ClinVar variation 2749165 (VCV002749165.3), dbSNP rs2075384993, ClinGen allele CA339144562.